The following is an entry in ClinVar:

ClinVar aggregate classification (germline): Uncertain significance (1 of 4 stars; one submission).

Allele frequency attached by ClinVar (database versions not stated): gnomAD exomes below 0.00001; TOPMed below 0.00001.

Submission:

Labcorp Genetics (formerly Invitae), Labcorp
Classification: Uncertain significance. Last evaluated: 2025-01-20. Review status: criteria provided, single submitter. Criteria: Invitae Variant Classification Sherloc (09022015). Collection method: clinical testing. Allele origin: germline.
Comment: This sequence change replaces alanine, which is neutral and non-polar, with serine, which is neutral and polar, at codon 1027 of the TMEM132E protein (p.Ala1027Ser). This variant is not present in population databases (gnomAD no frequency). This variant has not been reported in the literature in individuals affected with TMEM132E-related conditions. ClinVar contains an entry for this variant (Variation ID: 1405493). Experimental studies and prediction algorithms are not available or were not evaluated, and the functional significance of this variant is currently unknown. In summary, the available evidence is currently insufficient to determine the role of this variant in disease. Therefore, it has been classified as a Variant of Uncertain Significance.

NM_001304438.2(TMEM132E):c.3079G>T (p.Ala1027Ser)

Gene: TMEM132E (transmembrane protein 132E; plus strand). Cytogenetic location: 17q12.
Variant type: single nucleotide variant.
Coding change: c.3079G>T on transcript NM_001304438.2 (MANE Select); coding-DNA position 3079, G replaced by T.
Protein change: p.Ala1027Ser; replaces alanine 1027 with serine.
Molecular consequence: missense variant.
Genome position (GRCh38, 1-based): chr17:34,638,086, G>T. VCF-style: chr17-34638086-G-T. GRCh37 (hg19) VCF-style: chr17-32965105-G-T.
Other names: short protein forms A1027S.
Identifiers: ClinVar variation 1405493 (VCV001405493.7), dbSNP rs949601718, ClinGen allele CA289923764.
Genomic context (GRCh38, chr17:34,638,086, plus strand): 5'-ACCTCCAAGCGCAAGCGGGTCAAGTTCACCACCTTCACCACGCTGCCGTCAGAGGAGCTG[G>T]CCTATGACTCGGTGCCCGCGGGCGAAGAGGACGAGGAGGAGGAAGAGGACCTGGGTTGGG-3'
Protein context (NP_001291367.1, residues 1017-1037): TFTTLPSEEL[Ala1027Ser]YDSVPAGEED